The following is an entry in ClinVar:

NM_001351132.2(PEX5):c.1375C>G (p.Leu459Val)

Gene: PEX5 (peroxisomal biogenesis factor 5; plus strand). Cytogenetic location: 12p13.31.
Variant type: single nucleotide variant.
Coding change: c.1375C>G on transcript NM_001351132.2 (MANE Select); coding-DNA position 1375, C replaced by G.
Protein change: p.Leu459Val; replaces leucine 459 with valine.
Molecular consequence: missense variant.
Genome position (GRCh38, 1-based): chr12:7,208,650, C>G. VCF-style: chr12-7208650-C-G. GRCh37 (hg19) VCF-style: chr12-7361246-C-G.
Other names: c.1351C>G, p.Leu451Val (NM_000319.5); c.1420C>G, p.Leu474Val (NM_001131023.2); c.1264C>G, p.Leu422Val (NM_001131024.2, NM_001351124.3, NM_001351126.2 and 7 more transcripts); c.1375C>G, p.Leu459Val (NM_001131025.2, NM_001131026.2, NM_001300789.3 and 4 more transcripts); c.1309C>G, p.Leu437Val (NM_001351135.3, NM_001351138.2); c.1366C>G, p.Leu456Val (NM_001351136.2); c.1240C>G, p.Leu414Val (NM_001351139.2, NM_001351140.2, NM_001374649.2); short protein forms L414V, L422V, L437V, L451V, L456V, L459V, L474V.
Identifiers: ClinVar variation 1000765 (VCV001000765.6), dbSNP rs375947901, ClinGen allele CA6426436.

ClinVar aggregate classification (germline): Uncertain significance (1 of 4 stars; one submission).

Conditions:
Peroxisome biogenesis disorder 2B (PBD2B). Identifiers: Orphanet 44, MedGen C3550234, MONDO:0008736, OMIM 202370.

Allele frequency attached by ClinVar (database versions not stated): gnomAD exomes below 0.00001; gnomAD 0.00001; ExAC 0.00002; TOPMed 0.00002; ESP Exome Variant Server 0.00015.
gnomAD v4.1: 6 of 1,613,502 alleles (0.00037%); highest among the groups gnomAD compares: Non-Finnish European, 0.00051%; no homozygotes.

Submission:

Labcorp Genetics (formerly Invitae), Labcorp
Classification: Uncertain significance for Peroxisome biogenesis disorder 2B. Last evaluated: 2022-05-12. Review status: criteria provided, single submitter. Criteria: Invitae Variant Classification Sherloc (09022015). Collection method: clinical testing. Allele origin: germline.
Comment: This sequence change replaces leucine, which is neutral and non-polar, with valine, which is neutral and non-polar, at codon 459 of the PEX5 protein (p.Leu459Val). This variant is present in population databases (rs375947901, gnomAD 0.002%). This variant has not been reported in the literature in individuals affected with PEX5-related conditions. ClinVar contains an entry for this variant (Variation ID: 1000765). Algorithms developed to predict the effect of missense changes on protein structure and function (SIFT, PolyPhen-2, Align-GVGD) all suggest that this variant is likely to be tolerated. In summary, the available evidence is currently insufficient to determine the role of this variant in disease. Therefore, it has been classified as a Variant of Uncertain Significance.